The following is an entry in ClinVar:

NM_000193.4(SHH):c.281_282dup (p.Asp95fs)

Gene: SHH (sonic hedgehog signaling molecule; minus strand). Cytogenetic location: 7q36.3.
Variant type: Duplication.
Coding change: c.281_282dup on transcript NM_000193.4 (MANE Select); coding-DNA positions 281 to 282, 2 bases duplicated (CG; older notation c.281_282dupCG).
Protein change: p.Asp95fs; shifts the reading frame from aspartic acid 95.
Molecular consequence: frameshift variant.
Genome position (GRCh38, 1-based): chr7:155,811,841-155,811,842, CG duplicated on the plus strand (CG on the coding strand, the reverse complement: SHH is on the minus strand); duplicating any 2 consecutive bases within chr7:155,811,841-155,811,843 gives the same sequence; the c. name uses the placement nearest the transcript's 3' end. VCF-style (leftmost placement, unchanged base first): chr7-155811840-C-CCG. GRCh37 (hg19) VCF-style: chr7-155604534-C-CCG.
Other names: short protein forms D95fs.
Identifiers: ClinVar variation 3775147 (VCV003775147.1).
Genomic context (GRCh38, chr7:155,811,840, plus strand): 5'-CCTGGAAAGCCACACATTCCACGCCCCGGCGCTGGGTTCCTACCTGAGTCATCAGCCTGT[C>CCG]CGCTCCGGTGTTTTCTTCATCCTTAAATATGATGTCGGGGTTGTAATTGGGGGTGAGTTC-3'

ClinVar aggregate classification (germline): Pathogenic (1 of 4 stars; one submission).

Conditions:
Holoprosencephaly 3 (HPE3). Identifiers: Orphanet 2162, MedGen C1840529, MONDO:0007733, OMIM 142945.

Submission:

Laboratory of Molecular Genetics, CHU Rennes
Classification: Pathogenic for Holoprosencephaly 3. Last evaluated: 2025-02-27. Review status: criteria provided, single submitter. Criteria: ACMG Guidelines, 2015. Collection method: clinical testing. Allele origin: de novo. Inheritance: Autosomal dominant inheritance. Affected: yes.
Comment: The NM_000193.4:c.281_282dup is a duplication of two base-pairs in SHH which is predicted to result in a premature stop codon downstream, and likely results in an absent or disrupted protein product (PVS1), absent from controls (PM2), and occurred de novo (PS2). In summary, this variant meets criteria to be classified as pathogenic for holoprosencephaly based on the ACMG criteria applied.